The following is an entry in ClinVar:

NM_178335.3(CCDC50):c.973G>A (p.Ala325Thr)

Gene: CCDC50 (coiled-coil domain containing 50; plus strand). Cytogenetic location: 3q28.
Variant type: single nucleotide variant.
Coding change: c.973G>A on transcript NM_178335.3 (MANE Select); coding-DNA position 973, G replaced by A.
Protein change: p.Ala325Thr; replaces alanine 325 with threonine.
Molecular consequence: missense variant. On other transcripts: intron variant (1).
Genome position (GRCh38, 1-based): chr3:191,375,586, G>A. VCF-style: chr3-191375586-G-A. GRCh37 (hg19) VCF-style: chr3-191093375-G-A.
Other names: c.449-4573G>A (NM_174908.4); c.973G>A (NM_178335.2); short protein forms A325T.
Identifiers: ClinVar variation 3067443 (VCV003067443.26), dbSNP rs376689351, ClinGen allele CA2755362.

ClinVar aggregate classification (germline): Conflicting classifications of pathogenicity. Review status: criteria provided, conflicting classifications (1 of 4 stars). 4 submissions from 4 submitters: Uncertain significance (2); Likely benign (2). Last evaluated 2025-12-19.

Allele frequency attached by ClinVar (database versions not stated): ESP Exome Variant Server 0.00008.
gnomAD v4.1: 112 of 1,612,494 alleles (0.0069%); highest among the groups gnomAD compares: Non-Finnish European, 0.0081%; no homozygotes.

Submissions (4):

GeneDx
Classification: Uncertain significance. Last evaluated: 2025-12-19. Review status: criteria provided, single submitter. Criteria: GeneDx Variant Classification Process June 2021. Collection method: clinical testing. Allele origin: germline. Affected: yes.
Comment: In silico analysis suggests that this missense variant does not alter protein structure/function; Has not been previously published as pathogenic or benign to our knowledge

Ambry Genetics
Classification: Likely benign. Last evaluated: 2025-08-19. Review status: criteria provided, single submitter. Criteria: Ambry Variant Classification Scheme 2023. Collection method: clinical testing. Allele origin: germline.

Labcorp Genetics (formerly Invitae), Labcorp
Classification: Uncertain significance. Last evaluated: 2024-05-06. Review status: criteria provided, single submitter. Criteria: Invitae Variant Classification Sherloc (09022015). Collection method: clinical testing. Allele origin: germline.
Comment: This sequence change replaces alanine, which is neutral and non-polar, with threonine, which is neutral and polar, at codon 325 of the CCDC50 protein (p.Ala325Thr). This variant is present in population databases (rs376689351, gnomAD 0.01%). This variant has not been reported in the literature in individuals affected with CCDC50-related conditions. Algorithms developed to predict the effect of missense changes on protein structure and function output the following: SIFT: "Not Available"; PolyPhen-2: "Benign"; Align-GVGD: "Not Available". The threonine amino acid residue is found in multiple mammalian species, which suggests that this missense change does not adversely affect protein function. In summary, the available evidence is currently insufficient to determine the role of this variant in disease. Therefore, it has been classified as a Variant of Uncertain Significance.

CeGaT Center for Human Genetics Tuebingen
Classification: Likely benign. Last evaluated: 2024-03-01. Review status: criteria provided, single submitter. Criteria: CeGaT Center For Human Genetics Tuebingen Variant Classification Criteria Version 2. Collection method: clinical testing. Allele origin: germline. Affected: yes. Observed: 1 variant allele.
Comment: CCDC50: BP4